The following is an entry in ClinVar:

NM_002900.3(RBP3):c.1733C>A (p.Thr578Lys)

Gene: RBP3 (retinol binding protein 3; plus strand). Cytogenetic location: 10q11.22.
Variant type: single nucleotide variant.
Coding change: c.1733C>A on transcript NM_002900.3 (MANE Select); coding-DNA position 1733, C replaced by A.
Protein change: p.Thr578Lys; replaces threonine 578 with lysine.
Molecular consequence: missense variant.
Genome position (GRCh38, 1-based): chr10:47,350,217, C>A. VCF-style: chr10-47350217-C-A. GRCh37 (hg19) VCF-style: chr10-48389145-G-T.
Other names: short protein forms T578K.
Identifiers: ClinVar variation 853338 (VCV000853338.8), dbSNP rs782234227, ClinGen allele CA5487451.

ClinVar aggregate classification (germline): Uncertain significance. Review status: criteria provided, multiple submitters, no conflicts (2 of 4 stars). 4 submissions from 4 submitters: Uncertain significance (4). Last evaluated 2024-11-26.

Conditions:
Inborn genetic diseases. Identifiers: MedGen C0950123, MeSH D030342.

Allele frequency attached by ClinVar (database versions not stated): TOPMed 0.00010.
gnomAD v4.1: 206 of 1,608,944 alleles (0.013%); highest among the groups gnomAD compares: South Asian, 0.14%; 2 homozygotes.

Submissions (4):

Blueprint Genetics
Classification: Uncertain significance. Last evaluated: 2024-11-26. Review status: criteria provided, single submitter. Criteria: ACMG Guidelines, 2015. Collection method: clinical testing. Allele origin: germline.

Dubai Health Genomic Medicine Center, Dubai Health
Classification: Uncertain significance. Last evaluated: 2022-12-17. Review status: criteria provided, single submitter. Criteria: ACMG Guidelines, 2015. Collection method: clinical testing. Allele origin: germline. Affected: yes.

Ambry Genetics
Classification: Uncertain significance for Inborn genetic diseases. Last evaluated: 2022-11-07. Review status: criteria provided, single submitter. Criteria: Ambry Variant Classification Scheme 2023. Collection method: clinical testing. Allele origin: germline.

Labcorp Genetics (formerly Invitae), Labcorp
Classification: Uncertain significance. Last evaluated: 2022-07-19. Review status: criteria provided, single submitter. Criteria: Invitae Variant Classification Sherloc (09022015). Collection method: clinical testing. Allele origin: germline.
Comment: This sequence change replaces threonine, which is neutral and polar, with lysine, which is basic and polar, at codon 578 of the RBP3 protein (p.Thr578Lys). This variant is present in population databases (rs782234227, gnomAD 0.1%). This variant has not been reported in the literature in individuals affected with RBP3-related conditions. ClinVar contains an entry for this variant (Variation ID: 853338). Algorithms developed to predict the effect of missense changes on protein structure and function are either unavailable or do not agree on the potential impact of this missense change (SIFT: "Deleterious"; PolyPhen-2: "Possibly Damaging"; Align-GVGD: "Class C0"). Algorithms developed to predict the effect of sequence changes on RNA splicing suggest that this variant may create or strengthen a splice site. In summary, the available evidence is currently insufficient to determine the role of this variant in disease. Therefore, it has been classified as a Variant of Uncertain Significance.